The following is an entry in ClinVar:

NM_000302.4(PLOD1):c.1756-280G>A

Gene: PLOD1 (procollagen-lysine,2-oxoglutarate 5-dioxygenase 1; plus strand). Cytogenetic location: 1p36.22.
Variant type: single nucleotide variant.
Coding change: c.1756-280G>A on transcript NM_000302.4 (MANE Select); 280 bases into the intron before coding-DNA position 1756, G replaced by A.
Molecular consequence: intron variant.
Genome position (GRCh38, 1-based): chr1:11,970,390, G>A. VCF-style: chr1-11970390-G-A. GRCh37 (hg19) VCF-style: chr1-12030447-G-A.
Other names: c.1897-280G>A (NM_001316320.2).
Identifiers: ClinVar variation 683705 (VCV000683705.1), dbSNP rs11121846, ClinGen allele CA10763251.
Genomic context (GRCh38, chr1:11,970,390, plus strand): 5'-GGGTGAGGTGGGAGGATCACTTAGGCCTGGAAGGTTGAGGCTGCAGTGAGCTGAAGTTGC[G>A]CCACTGCGCTCTTACCTGTGCAACAGAGGGATACCCTGTCTCAAAAAATAAGGTCTTTCT-3'

ClinVar aggregate classification (germline): Benign (1 of 4 stars; one submission).

Allele frequency attached by ClinVar (database versions not stated): TOPMed 0.49666; gnomAD 0.50438 and 0.50992; 1000 Genomes Project 30x 0.56074; 1000 Genomes Project 0.56789.
gnomAD v4.1: 77,236 of 152,042 alleles (51%); highest among the groups gnomAD compares: East Asian, 64%; 20,244 homozygotes.

Submission:

GeneDx
Classification: Benign. Last evaluated: 2018-06-18. Review status: criteria provided, single submitter. Criteria: GeneDx Variant Classification (06012015). Collection method: clinical testing. Allele origin: germline. Affected: yes.
Comment: This variant is considered likely benign or benign based on one or more of the following criteria: it is a conservative change, it occurs at a poorly conserved position in the protein, it is predicted to be benign by multiple in silico algorithms, and/or has population frequency not consistent with disease.